The following is an entry in ClinVar:

NM_004517.4(ILK):c.-108T>C

Genes: ILK (integrin linked kinase; plus strand), LOC130005200 (ATAC-STARR-seq lymphoblastoid silent region 3104; plus strand). Cytogenetic location: 11p15.4.
Variant type: single nucleotide variant.
Coding change: c.-108T>C on transcript NM_004517.4 (MANE Select); 108 bases upstream of the start codon, T replaced by C.
Molecular consequence: 5 prime UTR variant.
Genome position (GRCh38, 1-based): chr11:6,603,807, T>C. VCF-style: chr11-6603807-T-C. GRCh37 (hg19) VCF-style: chr11-6625037-T-C.
Other names: c.-62T>C (NM_001014794.3); c.-465T>C (NM_001014795.3); c.-108T>C (NM_001278441.2); c.-298T>C (NM_001278442.2).
Identifiers: ClinVar variation 137589 (VCV000137589.1), dbSNP rs139314477, ClinGen allele CA333076.

ClinVar aggregate classification (germline): Benign (1 of 4 stars; one submission).

Allele frequency attached by ClinVar (database versions not stated): gnomAD exomes 0.00015; gnomAD 0.00116 and 0.00117; TOPMed 0.00123; 1000 Genomes Project 30x 0.00250; 1000 Genomes Project 0.00379.

Submission:

GeneDx
Classification: Benign. Last evaluated: 2014-05-29. Review status: criteria provided, single submitter. Criteria: GeneDx Variant Classification (06012015). Collection method: clinical testing. Allele origin: germline. Affected: yes.
Comment: This variant is considered likely benign or benign based on one or more of the following criteria: it is a conservative change, it occurs at a poorly conserved position in the protein, it is predicted to be benign by multiple in silico algorithms, and/or has population frequency not consistent with disease.